The following is an entry in ClinVar:

ClinVar aggregate classification (germline): Uncertain significance (1 of 4 stars; one submission).

Submission:

Labcorp Genetics (formerly Invitae), Labcorp
Classification: Uncertain significance. Last evaluated: 2022-03-11. Review status: criteria provided, single submitter. Criteria: Invitae Variant Classification Sherloc (09022015). Collection method: clinical testing. Allele origin: germline.
Comment: In summary, the available evidence is currently insufficient to determine the role of this variant in disease. Therefore, it has been classified as a Variant of Uncertain Significance. Variants that disrupt the consensus splice site are a relatively common cause of aberrant splicing (PMID: 17576681, 9536098). Algorithms developed to predict the effect of sequence changes on RNA splicing suggest that this variant is not likely to affect RNA splicing. This variant has not been reported in the literature in individuals affected with ORC4-related conditions. This variant is not present in population databases (gnomAD no frequency). This sequence change falls in intron 4 of the ORC4 gene. It does not directly change the encoded amino acid sequence of the ORC4 protein. It affects a nucleotide within the consensus splice site.

Literature cited by the submitters: PubMed 17576681; PubMed 9536098.

NM_181741.4(ORC4):c.226-3T>C

Gene: ORC4 (origin recognition complex subunit 4; minus strand). Cytogenetic location: 2q23.1.
Variant type: single nucleotide variant.
Coding change: c.226-3T>C on transcript NM_181741.4 (MANE Select); 3 bases into the intron before coding-DNA position 226, T replaced by C.
Molecular consequence: intron variant.
Genome position (GRCh38, 1-based): chr2:147,958,869, A>G on the plus strand (T>C on the coding strand, the complement: ORC4 is on the minus strand). VCF-style: chr2-147958869-A-G. GRCh37 (hg19) VCF-style: chr2-148716438-A-G.
Other names: c.226-3T>C (NM_181742.4, NM_001190879.3, NM_002552.5 and 1 more transcripts); c.-27-3T>C (NM_001190881.3, NM_001374272.1); c.4-3T>C (NM_001190882.3).
Identifiers: ClinVar variation 2109451 (VCV002109451.4), dbSNP rs2467944567, ClinGen allele CA2580063845.